The following is an entry in ClinVar:

ClinVar aggregate classification (germline): Uncertain significance (1 of 4 stars; one submission).

Conditions:
Hereditary cancer-predisposing syndrome. Also called: Neoplastic Syndromes, Hereditary; Tumor predisposition; Hereditary Cancer Syndrome; Hereditary neoplastic syndrome. Identifiers: Orphanet 140162, MedGen C0027672, MeSH D009386, MONDO:0015356.

Submission:

Ambry Genetics
Classification: Uncertain significance for Hereditary cancer-predisposing syndrome. Last evaluated: 2026-03-15. Review status: criteria provided, single submitter. Criteria: Ambry Variant Classification Scheme 2023. Collection method: clinical testing. Allele origin: germline.
Comment: The p.Q106L variant (also known as c.317A>T), located in coding exon 2 of the PDGFRA gene, results from an A to T substitution at nucleotide position 317. The glutamine at codon 106 is replaced by leucine, an amino acid with dissimilar properties. This amino acid position is conserved. In addition, this alteration is predicted to be tolerated by in silico analysis. Based on the available evidence, the clinical significance of this variant remains unclear.

NM_006206.6(PDGFRA):c.317A>T (p.Gln106Leu)

Gene: PDGFRA (platelet derived growth factor receptor alpha; plus strand). Cytogenetic location: 4q12.
Variant type: single nucleotide variant.
Coding change: c.317A>T on transcript NM_006206.6 (MANE Select); coding-DNA position 317, A replaced by T.
Protein change: p.Gln106Leu; replaces glutamine 106 with leucine.
Molecular consequence: missense variant.
Genome position (GRCh38, 1-based): chr4:54,261,362, A>T. VCF-style: chr4-54261362-A-T. GRCh37 (hg19) VCF-style: chr4-55127529-A-T.
Other names: c.317A>T, p.Gln106Leu (NM_001347827.2, NM_001347829.2); c.392A>T, p.Gln131Leu (NM_001347828.2); c.356A>T, p.Gln119Leu (NM_001347830.2); short protein forms Q106L, Q119L, Q131L.
Identifiers: ClinVar variation 4861720 (VCV004861720.1).